The following is an entry in ClinVar:

ClinVar aggregate classification (germline): Uncertain significance (1 of 4 stars; one submission).

Conditions:
Glycogen storage disease, type V (GSD5). Also called: MCARDLE DISEASE; MUSCLE GLYCOGEN PHOSPHORYLASE DEFICIENCY; MYOPHOSPHORYLASE DEFICIENCY; PYGM DEFICIENCY; McArdle type glycogen storage disease. Identifiers: Orphanet 368, MedGen C0017924, MONDO:0009293, OMIM 232600.

gnomAD v4.1: 1 of 1,613,256 alleles (0.000062%); highest among the groups gnomAD compares: Middle Eastern, 0.016%; no homozygotes.

Submission:

Labcorp Genetics (formerly Invitae), Labcorp
Classification: Uncertain significance for Glycogen storage disease, type V. Last evaluated: 2025-10-02. Review status: criteria provided, single submitter. Criteria: Invitae Variant Classification Sherloc (09022015). Collection method: clinical testing. Allele origin: germline.
Comment: This sequence change falls in intron 13 of the PYGM gene. It does not directly change the encoded amino acid sequence of the PYGM protein. It affects a nucleotide within the consensus splice site. This variant is not present in population databases (gnomAD no frequency). This variant has not been reported in the literature in individuals affected with PYGM-related conditions. ClinVar contains an entry for this variant (Variation ID: 1439332). Variants that disrupt the consensus splice site are a relatively common cause of aberrant splicing (PMID: 17576681, 9536098). Algorithms developed to predict the effect of sequence changes on RNA splicing suggest that this variant may disrupt the consensus splice site. In summary, the available evidence is currently insufficient to determine the role of this variant in disease. Therefore, it has been classified as a Variant of Uncertain Significance.

Literature cited by the submitters: PubMed 17576681; PubMed 9536098.

NM_005609.4(PYGM):c.1620+5G>T

Gene: PYGM (glycogen phosphorylase, muscle associated; minus strand). Cytogenetic location: 11q13.1.
Variant type: single nucleotide variant.
Coding change: c.1620+5G>T on transcript NM_005609.4 (MANE Select); 5 bases into the intron after coding-DNA position 1620, G replaced by T.
Molecular consequence: intron variant.
Genome position (GRCh38, 1-based): chr11:64,752,398, C>A on the plus strand (G>T on the coding strand, the complement: PYGM is on the minus strand). VCF-style: chr11-64752398-C-A. GRCh37 (hg19) VCF-style: chr11-64519870-C-A.
Other names: c.1356+5G>T (NM_001164716.1).
Identifiers: ClinVar variation 1439332 (VCV001439332.5), dbSNP rs2135831177, ClinGen allele CA2573147419.